The following is an entry in ClinVar:

ClinVar aggregate classification (germline): Conflicting classifications of pathogenicity. Review status: criteria provided, conflicting classifications (1 of 4 stars). 2 submissions from 2 submitters: Uncertain significance (1); Benign (1). Last evaluated 2025-07-02.

Conditions:
Gorlin syndrome. Also called: Basal cell nevus syndrome; Nevoid Basal Cell Carcinoma Syndrome. Identifiers: Orphanet 377, MedGen C0004779, MONDO:0007187.
Hereditary cancer-predisposing syndrome. Also called: Neoplastic Syndromes, Hereditary; Hereditary Cancer Syndrome; Hereditary neoplastic syndrome; Tumor predisposition. Identifiers: Orphanet 140162, MedGen C0027672, MeSH D009386, MONDO:0015356.

Allele frequency attached by ClinVar (database versions not stated): gnomAD exomes below 0.00001 and 0.00001; gnomAD 0.00001.
gnomAD v4.1: 7 of 1,611,538 alleles (0.00043%); highest among the groups gnomAD compares: African/African-American, 0.0081%; no homozygotes.

Submissions (2):

Ambry Genetics
Classification: Uncertain significance for Hereditary cancer-predisposing syndrome. Last evaluated: 2025-07-02. Review status: criteria provided, single submitter. Criteria: Ambry Variant Classification Scheme 2023. Collection method: clinical testing. Allele origin: germline.
Comment: The p.N298S variant (also known as c.893A>G), located in coding exon 6 of the PTCH1 gene, results from an A to G substitution at nucleotide position 893. The asparagine at codon 298 is replaced by serine, an amino acid with highly similar properties. This amino acid position is well conserved in available vertebrate species. In addition, this alteration is predicted to be tolerated by in silico analysis. Based on the available evidence, the clinical significance of this variant remains unclear.

Labcorp Genetics (formerly Invitae), Labcorp
Classification: Benign for Gorlin syndrome. Last evaluated: 2023-08-07. Review status: criteria provided, single submitter. Criteria: Invitae Variant Classification Sherloc (09022015). Collection method: clinical testing. Allele origin: germline.

NM_000264.5(PTCH1):c.893A>G (p.Asn298Ser)

Gene: PTCH1 (patched 1; minus strand). Cytogenetic location: 9q22.32.
Variant type: single nucleotide variant.
Coding change: c.893A>G on transcript NM_000264.5 (MANE Select); coding-DNA position 893, A replaced by G.
Protein change: p.Asn298Ser; replaces asparagine 298 with serine.
Molecular consequence: missense variant. On other transcripts: non-coding transcript variant (1).
Genome position (GRCh38, 1-based): chr9:95,480,442, T>C on the plus strand (A>G on the coding strand, the complement: PTCH1 is on the minus strand). VCF-style: chr9-95480442-T-C. GRCh37 (hg19) VCF-style: chr9-98242724-T-C.
Other names: c.695A>G, p.Asn232Ser (NM_001083602.3); c.890A>G, p.Asn297Ser (NM_001083603.3); c.440A>G, p.Asn147Ser (NM_001083604.3, NM_001083605.3, NM_001083606.3 and 1 more transcripts); c.893A>G, p.Asn298Ser (NM_001354918.2); short protein forms N297S, N147S, N232S, N298S.
Identifiers: ClinVar variation 640391 (VCV000640391.10), dbSNP rs1456514392, ClinGen allele CA374113827.
Genomic context (GRCh38, chr9:95,480,442, plus strand): 5'-GTACTCACTTTGGTTGAATTTTTGTTGGGGGCTGTGGCGGGGCAGTCTGGATCGGCCGGA[T>C]TGAGGCAGGGGCGGTCCATGTAACCATGACCAACCTCAGCCTTATTCAGCATTTCCTCCC-3'
Protein context (NP_000255.2, residues 288-308): GHGYMDRPCL[Asn298Ser]PADPDCPATA